The following is an entry in ClinVar:

NM_003839.4(TNFRSF11A):c.985T>C (p.Leu329=)

Gene: TNFRSF11A (TNF receptor superfamily member 11a; plus strand). Cytogenetic location: 18q21.33.
Variant type: single nucleotide variant.
Coding change: c.985T>C on transcript NM_003839.4 (MANE Select); coding-DNA position 985, T replaced by C.
Protein change: p.Leu329=; no amino-acid change (leucine 329 retained).
Molecular consequence: synonymous variant. On other transcripts: intron variant (3).
Genome position (GRCh38, 1-based): chr18:62,368,902, T>C. VCF-style: chr18-62368902-T-C. GRCh37 (hg19) VCF-style: chr18-60036135-T-C.
Other names: c.943T>C, p.Leu315= (NM_001278268.2); c.783+2142T>C (NM_001270949.2); c.730+7109T>C (NM_001270950.2); c.616+8853T>C (NM_001270951.2); c.985T>C (NM_003839.3).
Identifiers: ClinVar variation 1648235 (VCV001648235.10), dbSNP rs182849554, ClinGen allele CA8983901.

ClinVar aggregate classification (germline): Likely benign. Review status: criteria provided, multiple submitters, no conflicts (2 of 4 stars). 3 submissions from 3 submitters: Likely benign (2). 1 of the submissions does not count toward it. Last evaluated 2026-01-08.

Conditions:
TNFRSF11A-related disorder. Also called: TNFRSF11A-related condition.

Allele frequency attached by ClinVar (database versions not stated): gnomAD exomes 0.00005 and 0.00007; ExAC 0.00010; gnomAD 0.00031 and 0.00033; TOPMed 0.00032; ESP Exome Variant Server 0.00038; 1000 Genomes Project 0.00060; 1000 Genomes Project 30x 0.00062.
gnomAD v4.1: 130 of 1,614,262 alleles (0.0081%); highest among the groups gnomAD compares: African/African-American, 0.12%; no homozygotes.

Submissions (3):

Labcorp Genetics (formerly Invitae), Labcorp
Classification: Likely benign. Last evaluated: 2026-01-08. Review status: criteria provided, single submitter. Criteria: Invitae Variant Classification Sherloc (09022015). Collection method: clinical testing. Allele origin: germline.

Blueprint Genetics
Classification: Likely benign. Last evaluated: 2024-11-26. Review status: criteria provided, single submitter. Criteria: ACMG Guidelines, 2015. Collection method: clinical testing. Allele origin: germline.

PreventionGenetics, part of Exact Sciences
Classification: Likely benign for TNFRSF11A-related condition. Last evaluated: 2024-09-19. Review status: no assertion criteria provided. Collection method: clinical testing. Allele origin: germline. Not counted in ClinVar's aggregate classification.
Comment: This variant is classified as likely benign based on ACMG/AMP sequence variant interpretation guidelines (Richards et al. 2015 PMID: 25741868, with internal and published modifications).